The following is an entry in ClinVar:

NM_001105206.3(LAMA4):c.572G>A (p.Gly191Glu)

Gene: LAMA4 (laminin subunit alpha 4; minus strand). Cytogenetic location: 6q21.
Variant type: single nucleotide variant.
Coding change: c.572G>A on transcript NM_001105206.3 (MANE Select); coding-DNA position 572, G replaced by A.
Protein change: p.Gly191Glu; replaces glycine 191 with glutamic acid.
Molecular consequence: missense variant.
Genome position (GRCh38, 1-based): chr6:112,191,782, C>T on the plus strand (G>A on the coding strand, the complement: LAMA4 is on the minus strand). VCF-style: chr6-112191782-C-T. GRCh37 (hg19) VCF-style: chr6-112512984-C-T.
Other names: c.572G>A, p.Gly191Glu (NM_001105207.3, NM_002290.5); c.572G>A (NM_002290.3); short protein forms G191E.
Identifiers: ClinVar variation 626481 (VCV000626481.13), dbSNP rs782010849, ClinGen allele CA3966098.
Genomic context (GRCh38, chr6:112,191,782, plus strand): 5'-TTCCTACACTGGCCAGTGACTTCATCACAATCTTCAAAGATCAGGTTGGGATCTGAATTT[C>T]CACTGCAGTCACATTTCTTACAGGTGCTTCCAATGAGTAAGGGGTTTCCATAGTAACCGG-3'
Protein context (NP_001098676.2, residues 181-201): GSTCKKCDCS[Gly191Glu]NSDPNLIFED

ClinVar aggregate classification (germline): Conflicting classifications of pathogenicity. Review status: criteria provided, conflicting classifications (1 of 4 stars). 4 submissions from 4 submitters: Uncertain significance (3); Likely benign (1). Last evaluated 2023-11-22.

Conditions:
Cardiovascular phenotype. Identifiers: MedGen CN230736.
Cardiomyopathy (CMYO). Also called: Cardiomyopathies. Identifiers: Orphanet 167848, MedGen C0878544, MONDO:0004994, HP:0001638. Inheritance: Various modes of inheritance.
Dilated cardiomyopathy 1JJ (CMD1JJ). Identifiers: Orphanet 154, MedGen C3808935, MONDO:0014095, OMIM 615235.

Allele frequency attached by ClinVar (database versions not stated): gnomAD 0.00001; ExAC 0.00003; gnomAD exomes 0.00003 and 0.00004; TOPMed 0.00003.
gnomAD v4.1: 58 of 1,614,040 alleles (0.0036%); highest among the groups gnomAD compares: East Asian, 0.13%; 1 homozygote.

Submissions (4):

Ambry Genetics
Classification: Uncertain significance for Cardiovascular phenotype. Last evaluated: 2023-11-22. Review status: criteria provided, single submitter. Criteria: Ambry Variant Classification Scheme 2023. Collection method: clinical testing. Allele origin: germline.
Comment: The p.G191E variant (also known as c.572G>A), located in coding exon 5 of the LAMA4 gene, results from a G to A substitution at nucleotide position 572. The glycine at codon 191 is replaced by glutamic acid, an amino acid with similar properties. This amino acid position is highly conserved in available vertebrate species. In addition, this alteration is predicted to be deleterious by in silico analysis. The evidence for this gene-disease relationship is limited; therefore, the clinical significance of this alteration is unclear.

Labcorp Genetics (formerly Invitae), Labcorp
Classification: Uncertain significance for Dilated cardiomyopathy 1JJ. Last evaluated: 2023-07-17. Review status: criteria provided, single submitter. Criteria: Invitae Variant Classification Sherloc (09022015). Collection method: clinical testing. Allele origin: germline.
Comment: An algorithm developed to predict the effect of missense changes on protein structure and function (PolyPhen-2) suggests that this variant is likely to be disruptive. ClinVar contains an entry for this variant (Variation ID: 626481). This variant has not been reported in the literature in individuals affected with LAMA4-related conditions. This variant is present in population databases (rs782010849, gnomAD 0.05%), and has an allele count higher than expected for a pathogenic variant. This sequence change replaces glycine, which is neutral and non-polar, with glutamic acid, which is acidic and polar, at codon 191 of the LAMA4 protein (p.Gly191Glu). In summary, the available evidence is currently insufficient to determine the role of this variant in disease. Therefore, it has been classified as a Variant of Uncertain Significance.

Center for Advanced Laboratory Medicine, UC San Diego Health, University of California San Diego
Classification: Likely benign for Cardiomyopathy. Last evaluated: 2019-01-31. Review status: criteria provided, single submitter. Criteria: ACMG Guidelines, 2015. Collection method: clinical testing. Allele origin: germline. Affected: yes. Observed: 1 variant allele.

CHEO Genetics Diagnostic Laboratory, Children's Hospital of Eastern Ontario
Classification: Uncertain significance for Cardiomyopathy. Last evaluated: 2015-11-06. Review status: criteria provided, single submitter. Criteria: ACMG Guidelines, 2015. Collection method: clinical testing. Allele origin: germline. Study: Canadian Open Genetics Repository.